The following is an entry in ClinVar:

NM_024596.5(MCPH1):c.2410A>T (p.Lys804Ter)

Genes: MCPH1 (microcephalin 1; plus strand), MCPH1-AS1 (MCPH1 antisense RNA 1; minus strand). Cytogenetic location: 8p23.1.
Variant type: single nucleotide variant.
Coding change: c.2410A>T on transcript NM_024596.5 (MANE Select); coding-DNA position 2410, A replaced by T.
Protein change: p.Lys804Ter; replaces lysine 804 with a stop codon.
Molecular consequence: nonsense.
Genome position (GRCh38, 1-based): chr8:6,621,649, A>T. VCF-style: chr8-6621649-A-T. GRCh37 (hg19) VCF-style: chr8-6479170-A-T.
Other names: c.2410A>T, p.Lys804Ter (NM_001322042.2, NM_001363979.1); c.2131A>T, p.Lys711Ter (NM_001363980.2); short protein forms K711*, K804*.
Identifiers: ClinVar variation 1696389 (VCV001696389.1), dbSNP rs2129580766, ClinGen allele CA370216555.

ClinVar aggregate classification (germline): Likely pathogenic (1 of 4 stars; one submission).

Conditions:
Autosomal recessive primary microcephaly. Identifiers: Orphanet 2512, MedGen C3711387, MONDO:0016660.

Submission:

Women's Health and Genetics/Laboratory Corporation of America, LabCorp
Classification: Likely pathogenic for Autosomal recessive primary microcephaly. Last evaluated: 2022-05-24. Review status: criteria provided, single submitter. Criteria: LabCorp Variant Classification Summary - May 2015. Collection method: clinical testing. Allele origin: germline.
Comment: Variant summary: MCPH1 c.2410A>T (p.Lys804X) results in a premature termination codon, predicted to cause a truncation of the encoded protein. While not expected to cause nonsense mediated decay, the early termination results in the loss of the final exon and interrupts a BRCT domain (IPR001357). The variant was absent in 249488 control chromosomes (gnomAD). To our knowledge, no occurrence of c.2410A>T in individuals affected with Primary Autosomal Recessive Microcephaly and no experimental evidence demonstrating its impact on protein function have been reported. No clinical diagnostic laboratories have submitted clinical-significance assessments for this variant to ClinVar after 2014. Based on the evidence outlined above, the variant was classified as likely pathogenic.